The following is an entry in ClinVar:

ClinVar aggregate classification (germline): Conflicting classifications of pathogenicity. Review status: criteria provided, conflicting classifications (1 of 4 stars). 3 submissions from 3 submitters: Uncertain significance (2); Likely benign (1). Last evaluated 2025-05-23.

Conditions:
CRB1-related disorder. Also called: CRB1-related condition; CRB1-related disorders.
Retinitis pigmentosa 12 (RP12). Also called: RP WITH OR WITHOUT PRESERVED PARAARTERIOLE RETINAL PIGMENT EPITHELIUM; RETINITIS PIGMENTOSA WITH OR WITHOUT PARAARTERIOLAR PRESERVATION OF RETINAL PIGMENT EPITHELIUM; RP WITH OR WITHOUT PPRPE. Identifiers: Orphanet 791, MedGen C1838647, MONDO:0010818, OMIM 600105.
Leber congenital amaurosis 8 (LCA8). Identifiers: Orphanet 65, MedGen C3151202, MONDO:0013453, OMIM 613835.

Allele frequency attached by ClinVar (database versions not stated): ExAC 0.00002; gnomAD 0.00007; TOPMed 0.00014.
gnomAD v4.1: 18 of 1,613,768 alleles (0.0011%); highest among the groups gnomAD compares: African/African-American, 0.021%; no homozygotes.

Submissions (3):

PreventionGenetics, part of Exact Sciences
Classification: Uncertain significance for CRB1-related condition. Last evaluated: 2025-05-23. Review status: criteria provided, single submitter. Criteria: ACMG Guidelines, 2015. Collection method: clinical testing. Allele origin: germline.
Comment: The CRB1 c.328A>G variant is predicted to result in the amino acid substitution p.Thr110Ala. To our knowledge, this variant has not been reported in the literature. This variant is present in 0.028% of alleles in individuals of African descent in gnomAD. At this time, the clinical significance of this variant is uncertain due to the absence of conclusive functional and genetic evidence.

Blueprint Genetics
Classification: Likely benign. Last evaluated: 2022-11-18. Review status: criteria provided, single submitter. Criteria: ACMG Guidelines, 2015. Collection method: clinical testing. Allele origin: germline.

Labcorp Genetics (formerly Invitae), Labcorp
Classification: Uncertain significance for Leber congenital amaurosis 8; Retinitis pigmentosa 12. Last evaluated: 2022-07-26. Review status: criteria provided, single submitter. Criteria: Invitae Variant Classification Sherloc (09022015). Collection method: clinical testing. Allele origin: germline.
Comment: This sequence change replaces threonine, which is neutral and polar, with alanine, which is neutral and non-polar, at codon 110 of the CRB1 protein (p.Thr110Ala). This variant is present in population databases (rs770494438, gnomAD 0.03%). This variant has not been reported in the literature in individuals affected with CRB1-related conditions. Advanced modeling of protein sequence and biophysical properties (such as structural, functional, and spatial information, amino acid conservation, physicochemical variation, residue mobility, and thermodynamic stability) performed at Invitae indicates that this missense variant is not expected to disrupt CRB1 protein function. In summary, the available evidence is currently insufficient to determine the role of this variant in disease. Therefore, it has been classified as a Variant of Uncertain Significance.

NM_201253.3(CRB1):c.328A>G (p.Thr110Ala)

Gene: CRB1 (crumbs cell polarity complex component 1; plus strand). Cytogenetic location: 1q31.3.
Variant type: single nucleotide variant.
Coding change: c.328A>G on transcript NM_201253.3 (MANE Select); coding-DNA position 328, A replaced by G.
Protein change: p.Thr110Ala; replaces threonine 110 with alanine.
Molecular consequence: missense variant. On other transcripts: non-coding transcript variant (2).
Genome position (GRCh38, 1-based): chr1:197,328,679, A>G. VCF-style: chr1-197328679-A-G. GRCh37 (hg19) VCF-style: chr1-197297809-A-G.
Other names: c.328A>G, p.Thr110Ala (NM_001193640.2, NM_001257966.2); c.121A>G, p.Thr41Ala (NM_001257965.2); c.328A>G (NM_201253.2); short protein forms T41A, T110A.
Identifiers: ClinVar variation 2143310 (VCV002143310.3), dbSNP rs770494438, ClinGen allele CA1311616.